The following is an entry in ClinVar:

ClinVar aggregate classification (germline): Pathogenic/Likely pathogenic. Review status: criteria provided, multiple submitters, no conflicts (2 of 4 stars). 8 submissions from 8 submitters: Pathogenic (3); Likely pathogenic (5). Last evaluated 2026-08-12.

Conditions:
Primary ciliary dyskinesia 7. Also called: CILIARY DYSKINESIA, PRIMARY, 7, WITH OR WITHOUT SITUS INVERSUS. Identifiers: Orphanet 244, MedGen C2678473, MONDO:0012748, OMIM 611884.
DNAH11-related disorder. Also called: DNAH11-related condition.
Primary ciliary dyskinesia. Also called: Ciliary dyskinesia. Identifiers: Orphanet 244, MedGen C0008780, MONDO:0016575, HP:0012265.
DNAH11-related disorders.

Allele frequency attached by ClinVar (database versions not stated): gnomAD 0.00004 and 0.00005; TOPMed 0.00007; ESP Exome Variant Server 0.00008; gnomAD exomes 0.00009 and 0.00010; ExAC 0.00013.
gnomAD v4.1: 137 of 1,613,678 alleles (0.0085%); highest among the groups gnomAD compares: South Asian, 0.026%; no homozygotes.

Submissions (8):

PreventionGenetics, part of Exact Sciences
Classification: Likely pathogenic for DNAH11-related condition. Last evaluated: 2026-08-12. Review status: criteria provided, single submitter. Criteria: ACMG Guidelines, 2015. Collection method: clinical testing. Allele origin: germline.
Comment: The DNAH11 c.13373C>T variant is predicted to result in the amino acid substitution p.Pro4458Leu. This variant has been reported in the homozygous state or compound heterozygous state with a second causative DNAH11 variant in individuals with primary ciliary dyskinesia (Knowles et al. 2012. PubMed ID: 22184204; Wheway et al. 2021. PubMed ID: 34556108; Hao et al. 2021. PubMed ID: 33942430; Black et al. 2024. PubMed ID: 39115449). This variant is reported in 0.036% of alleles in individuals of South Asian descent in gnomAD and is classified as likely pathogenic or pathogenic in ClinVar (Variation ID: 916128). This variant is interpreted as likely pathogenic.

Labcorp Genetics (formerly Invitae), Labcorp
Classification: Pathogenic for Primary ciliary dyskinesia. Last evaluated: 2026-01-19. Review status: criteria provided, single submitter. Criteria: Invitae Variant Classification Sherloc (09022015). Collection method: clinical testing. Allele origin: germline.
Comment: This sequence change replaces proline, which is neutral and non-polar, with leucine, which is neutral and non-polar, at codon 4458 of the DNAH11 protein (p.Pro4458Leu). This variant is present in population databases (rs72658835, gnomAD 0.04%). This missense change has been observed in individual(s) with primary ciliary dyskinesia (PMID: 22184204, 29997923, 33577779; internal data). In at least one individual the data is consistent with being in trans (on the opposite chromosome) from a pathogenic variant. ClinVar contains an entry for this variant (Variation ID: 916128). Invitae Evidence Modeling of protein sequence and biophysical properties (such as structural, functional, and spatial information, amino acid conservation, physicochemical variation, residue mobility, and thermodynamic stability) indicates that this missense variant is not expected to disrupt DNAH11 protein function with a negative predictive value of 80%. For these reasons, this variant has been classified as Pathogenic.

Mayo Clinic Laboratories, Mayo Clinic
Classification: Likely pathogenic. Last evaluated: 2025-10-12. Review status: criteria provided, single submitter. Criteria: ACMG Guidelines, 2015. Collection method: clinical testing. Allele origin: germline. Observed: 1 variant allele.
Comment: PM2_supporting, PM3_strong

Blueprint Genetics
Classification: Pathogenic for DNAH11-related disorders. Last evaluated: 2024-08-26. Review status: criteria provided, single submitter. Criteria: ACMG Guidelines, 2015. Collection method: clinical testing. Allele origin: germline. Affected: yes. Observed: 5 variant alleles.

Fulgent Genetics
Classification: Likely pathogenic for Primary ciliary dyskinesia 7. Last evaluated: 2024-06-20. Review status: criteria provided, single submitter. Criteria: ACMG Guidelines, 2015. Collection method: clinical testing. Allele origin: germline.

Molecular Genetics, Royal Melbourne Hospital
Classification: Likely pathogenic for Primary ciliary dyskinesia. Last evaluated: 2024-02-05. Review status: criteria provided, single submitter. Criteria: ACMG Guidelines, 2015. Collection method: clinical testing. Allele origin: germline. Inheritance: Autosomal recessive inheritance. Affected: yes.
Comment: This sequence change in DNAH11 is predicted to replace proline with leucine at codon 4458, p.(Pro4458Leu). The proline residue is highly conserved (100 vertebrates, Multiz Alignments), and is located in the C-terminal domain. There is a moderate physicochemical difference between proline and leucine. The highest population minor allele frequency in the population database gnomAD v4.0 is 0.03% (24/91,062 alleles) in the South Asian population, which is consistent with recessive disease. The variant has been detected in the homozygous and compound heterozygous state in at least 6 probands with primary ciliary dyskinesia (PCD) and/or complex congenital heart defects, confirmed in trans with a second pathogenic variant in at least one individual (PMID: 22184204, 29997923, 32502479, 33942430, 34133440, 34556108). The variant segregates with PCD in at least one family and is associated with incomplete penetrance for congenital heart defects in one family (PMID: 32502479, 34133440). Computational evidence is uninformative for the missense substitution (REVEL = 0.38). Based on the classification scheme RMH Modified ACMG/AMP Guidelines v1.6.1, this variant is classified as LIKELY PATHOGENIC. Following criteria are met: PM3_Strong, PM2_Supporting, PP1.

Beijing Key Laboratry for Genetics of Birth Defects, Beijing Children's Hospital
Classification: Pathogenic for Primary ciliary dyskinesia 7. Last evaluated: 2020-12-20. Review status: criteria provided, single submitter. Criteria: ACMG Guidelines, 2015. Collection method: clinical testing. Allele origin: germline. Affected: yes. Observed: 1 variant allele.

Centre for Genomic and Experimental Medicine, University of Edinburgh
Classification: Likely pathogenic for Primary ciliary dyskinesia. Last evaluated: 2020-04-01. Review status: criteria provided, single submitter. Criteria: ACMG Guidelines, 2015. Collection method: research. Allele origin: inherited, unknown. Affected: yes and no. Observed: 2 heterozygotes, 1 homozygote.

Literature cited by the submitters: PubMed 22184204 (cited by 4 submitters); PubMed 29997923 (cited by 4 submitters); PubMed 33577779 (cited by Labcorp Genetics (formerly Invitae), Labcorp and Mayo Clinic Laboratories, Mayo Clinic); PubMed 32502479 (cited by 3 submitters); PubMed 34134972 (cited by Mayo Clinic Laboratories, Mayo Clinic); PubMed 39115449 (cited by Mayo Clinic Laboratories, Mayo Clinic); PubMed 33942430 (cited by Molecular Genetics, Royal Melbourne Hospital); PubMed 34133440 (cited by Molecular Genetics, Royal Melbourne Hospital); PubMed 34556108 (cited by Molecular Genetics, Royal Melbourne Hospital); PubMed 32622824 (cited by Beijing Key Laboratry for Genetics of Birth Defects, Beijing Children's Hospital).

NM_001277115.2(DNAH11):c.13373C>T (p.Pro4458Leu)

Genes: CDCA7L (cell division cycle associated 7 like; minus strand), DNAH11 (dynein axonemal heavy chain 11; plus strand). Cytogenetic location: 7p15.3.
Variant type: single nucleotide variant.
Coding change: c.13373C>T on transcript NM_001277115.2 (MANE Select); coding-DNA position 13373, C replaced by T.
Protein change: p.Pro4458Leu; replaces proline 4458 with leucine.
Molecular consequence: missense variant. On other transcripts: 3 prime UTR variant (3).
Genome position (GRCh38, 1-based): chr7:21,901,076, C>T. VCF-style: chr7-21901076-C-T. GRCh37 (hg19) VCF-style: chr7-21940694-C-T.
Other names: p.Pro4458Leu; c.*1246G>A (NM_001127370.3, NM_001127371.3, NM_018719.5); short protein forms P4458L.
Identifiers: ClinVar variation 916128 (VCV000916128.11), dbSNP rs72658835, ClinGen allele CA4183469.